The following is an entry in ClinVar:

NM_013450.4(BAZ2B):c.6246A>G (p.Ala2082=)

Gene: BAZ2B (bromodomain adjacent to zinc finger domain 2B; minus strand). Cytogenetic location: 2q24.2.
Variant type: single nucleotide variant.
Coding change: c.6246A>G on transcript NM_013450.4 (MANE Select); coding-DNA position 6246, A replaced by G.
Protein change: p.Ala2082=; no amino-acid change (alanine 2082 retained).
Molecular consequence: synonymous variant.
Genome position (GRCh38, 1-based): chr2:159,324,918, T>C on the plus strand (A>G on the coding strand, the complement: BAZ2B is on the minus strand). VCF-style: chr2-159324918-T-C. GRCh37 (hg19) VCF-style: chr2-160181429-T-C.
Other names: c.6138A>G, p.Ala2046= (NM_001289975.1); c.6189A>G, p.Ala2063= (NM_001329857.2); c.6171A>G, p.Ala2057= (NM_001329858.2).
Identifiers: ClinVar variation 715906 (VCV000715906.4), dbSNP rs371273841, ClinGen allele CA1923666.

ClinVar aggregate classification (germline): Likely benign. Review status: criteria provided, multiple submitters, no conflicts (2 of 4 stars). 2 submissions from 2 submitters: Likely benign (2). Last evaluated 2025-06-24.

Conditions:
BAZ2B-related disorder. Also called: BAZ2B-related condition.

Allele frequency attached by ClinVar (database versions not stated): gnomAD exomes 0.00003 and 0.00008; ExAC 0.00013; gnomAD 0.00036 and 0.00040; ESP Exome Variant Server 0.00059; TOPMed 0.00059; 1000 Genomes Project 0.00060; 1000 Genomes Project 30x 0.00078.
gnomAD v4.1: 120 of 1,554,718 alleles (0.0077%); highest among the groups gnomAD compares: African/African-American, 0.11%; no homozygotes.

Submissions (2):

PreventionGenetics, part of Exact Sciences
Classification: Likely benign for BAZ2B-related condition. Last evaluated: 2025-06-24. Review status: criteria provided, single submitter. Criteria: ACMG Guidelines, 2015. Collection method: clinical testing. Allele origin: germline.
Comment: This variant is classified as likely benign based on ACMG/AMP sequence variant interpretation guidelines (Richards et al. 2015 PMID: 25741868, with internal and published modifications).

Labcorp Genetics (formerly Invitae), Labcorp
Classification: Likely benign. Last evaluated: 2018-06-05. Review status: criteria provided, single submitter. Criteria: Invitae Variant Classification Sherloc (09022015). Collection method: clinical testing. Allele origin: germline.